The following is an entry in ClinVar:

NM_025074.7(FRAS1):c.*731C>G

Gene: FRAS1 (Fraser extracellular matrix complex subunit 1; plus strand). Cytogenetic location: 4q21.21.
Variant type: single nucleotide variant.
Coding change: c.*731C>G on transcript NM_025074.7 (MANE Select); 731 bases downstream of the stop codon, C replaced by G.
Molecular consequence: 3 prime UTR variant.
Genome position (GRCh38, 1-based): chr4:78,541,855, C>G. VCF-style: chr4-78541855-C-G. GRCh37 (hg19) VCF-style: chr4-79463009-C-G.
Identifiers: ClinVar variation 349838 (VCV000349838.5), dbSNP rs116483248, ClinGen allele CA10618445.

ClinVar aggregate classification (germline): Benign (1 of 4 stars; one submission).

Conditions:
Fraser syndrome 1 (FRASRS1). Also called: CRYPTOPHTHALMOS WITH OTHER MALFORMATIONS. Identifiers: Orphanet 2052, MedGen C4551480, MONDO:0054737, OMIM 219000.

Allele frequency attached by ClinVar (database versions not stated): TOPMed 0.00788; 1000 Genomes Project 0.00958; 1000 Genomes Project 30x 0.01015.

Submission:

Illumina Laboratory Services, Illumina
Classification: Benign for Fraser syndrome 1. Last evaluated: 2018-01-13. Review status: criteria provided, single submitter. Criteria: ICSL Variant Classification Criteria 13 December 2019. Collection method: clinical testing. Allele origin: germline.
Comment: This variant was observed in the ICSL laboratory as part of a predisposition screen in an ostensibly healthy population. It had not been previously curated by ICSL or reported in the Human Gene Mutation Database (HGMD: prior to June 1st, 2018), and was therefore a candidate for classification through an automated scoring system. Utilizing variant allele frequency, disease prevalence and penetrance estimates, and inheritance mode, an automated score was calculated to assess if this variant is too frequent to cause the disease. Based on the score and internal cut-off values, a variant classified as benign is not then subjected to further curation. The score for this variant resulted in a classification of benign for this disease.